The following is an entry in ClinVar:

NM_006389.5(HYOU1):c.236G>C (p.Arg79Thr)

Gene: HYOU1 (hypoxia up-regulated 1; minus strand). Cytogenetic location: 11q23.3.
Variant type: single nucleotide variant.
Coding change: c.236G>C on transcript NM_006389.5 (MANE Select); coding-DNA position 236, G replaced by C.
Protein change: p.Arg79Thr; replaces arginine 79 with threonine.
Molecular consequence: missense variant.
Genome position (GRCh38, 1-based): chr11:119,055,521, C>G on the plus strand (G>C on the coding strand, the complement: HYOU1 is on the minus strand). VCF-style: chr11-119055521-C-G. GRCh37 (hg19) VCF-style: chr11-118926233-C-G.
Other names: c.236G>C, p.Arg79Thr (NM_001130991.3, NM_001411041.1); short protein forms R79T.
Identifiers: ClinVar variation 3617390 (VCV003617390.2).

ClinVar aggregate classification (germline): Uncertain significance (1 of 4 stars; one submission).

gnomAD v4.1: 2 of 1,614,088 alleles (0.00012%); highest among the groups gnomAD compares: Non-Finnish European, 0.00017%; no homozygotes.

Submission:

Labcorp Genetics (formerly Invitae), Labcorp
Classification: Uncertain significance. Last evaluated: 2024-07-03. Review status: criteria provided, single submitter. Criteria: Invitae Variant Classification Sherloc (09022015). Collection method: clinical testing. Allele origin: germline.
Comment: This sequence change replaces arginine, which is basic and polar, with threonine, which is neutral and polar, at codon 79 of the HYOU1 protein (p.Arg79Thr). This variant is not present in population databases (gnomAD no frequency). This variant has not been reported in the literature in individuals affected with HYOU1-related conditions. An algorithm developed to predict the effect of missense changes on protein structure and function (PolyPhen-2) suggests that this variant is likely to be disruptive. In summary, the available evidence is currently insufficient to determine the role of this variant in disease. Therefore, it has been classified as a Variant of Uncertain Significance.